The following is an entry in ClinVar:

ClinVar aggregate classification (germline): Conflicting classifications of pathogenicity. Review status: criteria provided, conflicting classifications (1 of 4 stars). 6 submissions from 6 submitters: Uncertain significance (3); Benign (1); Likely benign (2). Last evaluated 2026-06-15.

Conditions:
WNK1-related disorder. Also called: WNK1-related condition.
Inborn genetic diseases. Identifiers: MedGen C0950123, MeSH D030342.
Neuropathy, hereditary sensory and autonomic, type 2A (HSAN2A). Also called: ACROOSTEOLYSIS, GIACCAI TYPE; ACROOSTEOLYSIS, NEUROGENIC; NEUROPATHY, CONGENITAL SENSORY; NEUROPATHY, HEREDITARY SENSORY RADICULAR, AUTOSOMAL RECESSIVE; NEUROPATHY, HEREDITARY SENSORY, TYPE IIA; NEUROPATHY, PROGRESSIVE SENSORY, OF CHILDREN. Identifiers: Orphanet 970, MedGen C2752089, MONDO:0024309, OMIM 201300.
Pseudohypoaldosteronism type 2C (PHA2C). Also called: Pseudohypoaldosteronism Type IIC. Identifiers: Orphanet 757, Orphanet 88940, MedGen C1840391, MONDO:0013778, OMIM 614492.

Allele frequency attached by ClinVar (database versions not stated): gnomAD exomes 0.00024 and 0.00014; gnomAD 0.00013 and 0.00014; TOPMed 0.00014; ESP Exome Variant Server 0.00015; 1000 Genomes Project 30x 0.00016; ExAC 0.00018; 1000 Genomes Project 0.00020.
gnomAD v4.1: 225 of 1,613,868 alleles (0.014%); highest among the groups gnomAD compares: Middle Eastern, 0.12%; 1 homozygote.

Submissions (6):

PreventionGenetics, part of Exact Sciences
Classification: Likely benign for WNK1-related condition. Last evaluated: 2026-06-15. Review status: criteria provided, single submitter. Criteria: ACMG Guidelines, 2015. Collection method: clinical testing. Allele origin: germline.
Comment: This variant is classified as likely benign based on ACMG/AMP sequence variant interpretation guidelines (Richards et al. 2015 PMID: 25741868, with internal and published modifications).

Labcorp Genetics (formerly Invitae), Labcorp
Classification: Likely benign for Neuropathy, hereditary sensory and autonomic, type 2A; Pseudohypoaldosteronism type 2C. Last evaluated: 2026-02-02. Review status: criteria provided, single submitter. Criteria: Invitae Variant Classification Sherloc (09022015). Collection method: clinical testing. Allele origin: germline.

Ambry Genetics
Classification: Uncertain significance for Inborn genetic diseases. Last evaluated: 2022-11-09. Review status: criteria provided, single submitter. Criteria: Ambry Variant Classification Scheme 2023. Collection method: clinical testing. Allele origin: germline.

ARUP Laboratories, Molecular Genetics and Genomics, ARUP Laboratories
Classification: Uncertain significance. Last evaluated: 2021-08-13. Review status: criteria provided, single submitter. Criteria: ARUP Molecular Germline Variant Investigation Process 2021. Collection method: clinical testing. Allele origin: germline.
Comment: The WNK1 c.1834G>A; p.Gly612Ser variant (rs146450828), to our knowledge, is not reported in the medical literature but is reported in ClinVar (Variation ID: 310740). This variant is found in the Latino population with an allele frequency of 0.079% (28 /35420 alleles) in the Genome Aggregation Database. The glycine at codon 612 is moderately conserved, and computational analyses predict that this variant is neutral (REVEL: 0.086). Due to limited information, the clinical significance of the p.Gly612Ser variant is uncertain at this time.

Mayo Clinic Laboratories, Mayo Clinic
Classification: Uncertain significance. Last evaluated: 2020-12-31. Review status: criteria provided, single submitter. Criteria: ACMG Guidelines, 2015. Collection method: clinical testing. Allele origin: germline. Observed: 1 variant allele.

Illumina Laboratory Services, Illumina
Classification: Benign for Pseudohypoaldosteronism type 2C. Last evaluated: 2018-01-12. Review status: criteria provided, single submitter. Criteria: ICSL Variant Classification Criteria 13 December 2019. Collection method: clinical testing. Allele origin: germline.
Comment: This variant was observed in the ICSL laboratory as part of a predisposition screen in an ostensibly healthy population. It had not been previously curated by ICSL or reported in the Human Gene Mutation Database (HGMD: prior to June 1st, 2018), and was therefore a candidate for classification through an automated scoring system. Utilizing variant allele frequency, disease prevalence and penetrance estimates, and inheritance mode, an automated score was calculated to assess if this variant is too frequent to cause the disease. Based on the score and internal cut-off values, a variant classified as benign is not then subjected to further curation. The score for this variant resulted in a classification of benign for this disease.

NM_018979.4(WNK1):c.1834G>A (p.Gly612Ser)

Gene: WNK1 (WNK lysine deficient protein kinase 1; plus strand). Cytogenetic location: 12p13.33.
Variant type: single nucleotide variant.
Coding change: c.1834G>A on transcript NM_018979.4 (MANE Select); coding-DNA position 1834, G replaced by A.
Protein change: p.Gly612Ser; replaces glycine 612 with serine.
Molecular consequence: missense variant.
Genome position (GRCh38, 1-based): chr12:861,226, G>A. VCF-style: chr12-861226-G-A. GRCh37 (hg19) VCF-style: chr12-970392-G-A.
Other names: c.1834G>A, p.Gly612Ser (NM_001184985.2, NM_014823.3, NM_213655.5); short protein forms G612S.
Identifiers: ClinVar variation 310740 (VCV000310740.59), dbSNP rs146450828, ClinGen allele CA6382040.
Genomic context (GRCh38, chr12:861,226, plus strand): 5'-CAGGTAGAACAATCCAGTGCTTCCCAGACAGGAATCAAGCAGCTCCCTTCTGCTAGCACC[G>A]GCATACCTACTGCTTCTACCACTTCAGCTTCAGTTTCTACACAAGTAGAACCTGAAGAAC-3'
Protein context (NP_061852.3, residues 602-622): GIKQLPSAST[Gly612Ser]IPTASTTSAS